The following is an entry in ClinVar:

ClinVar aggregate classification (germline): Pathogenic. Review status: criteria provided, multiple submitters, no conflicts (2 of 4 stars). 3 submissions from 3 submitters: Pathogenic (3). Last evaluated 2025-03-20.

Conditions:
Merosin deficient congenital muscular dystrophy (MDC1A). Also called: Congenital merosin-deficient muscular dystrophy 1A; Congenital Muscular Dystrophy Type 1A (MDC1A). Identifiers: Orphanet 258, MedGen C1263858, MONDO:0011925, OMIM 607855.
Muscular dystrophy, limb-girdle, autosomal recessive 23. Identifiers: Orphanet 565837, MedGen C4748327, MONDO:0029136, OMIM 618138.
LAMA2-related muscular dystrophy (LAMA2-RD). Also called: Laminin alpha 2-related dystrophy. Identifiers: MedGen C5679788, MONDO:0100228.

Submissions (3):

Revvity Omics, Revvity
Classification: Pathogenic. Last evaluated: 2025-03-20. Review status: criteria provided, single submitter. Criteria: ACMG Guidelines, 2015. Collection method: clinical testing. Allele origin: germline.

Labcorp Genetics (formerly Invitae), Labcorp
Classification: Pathogenic for LAMA2-related muscular dystrophy. Last evaluated: 2024-09-27. Review status: criteria provided, single submitter. Criteria: Invitae Variant Classification Sherloc (09022015). Collection method: clinical testing. Allele origin: germline.
Comment: This sequence change creates a premature translational stop signal (p.Val1572Phefs*5) in the LAMA2 gene. It is expected to result in an absent or disrupted protein product. Loss-of-function variants in LAMA2 are known to be pathogenic (PMID: 18700894, 32904964). This variant is present in population databases (no rsID available, gnomAD 0.0009%). This variant has not been reported in the literature in individuals affected with LAMA2-related conditions. ClinVar contains an entry for this variant (Variation ID: 942553). For these reasons, this variant has been classified as Pathogenic.

Fulgent Genetics
Classification: Pathogenic for Merosin deficient congenital muscular dystrophy; Muscular dystrophy, limb-girdle, autosomal recessive 23. Last evaluated: 2024-05-08. Review status: criteria provided, single submitter. Criteria: ACMG Guidelines, 2015. Collection method: clinical testing. Allele origin: germline.

Literature cited by the submitters: PubMed 18700894 (cited by Labcorp Genetics (formerly Invitae), Labcorp); PubMed 32904964 (cited by Labcorp Genetics (formerly Invitae), Labcorp).

NM_000426.4(LAMA2):c.4714_4715del (p.Val1572fs)

Gene: LAMA2 (laminin subunit alpha 2; plus strand). Cytogenetic location: 6q22.33.
Variant type: Microsatellite.
Coding change: c.4714_4715del on transcript NM_000426.4 (MANE Select); coding-DNA positions 4714 to 4715, 2 bases deleted (GT; older notation c.4714_4715delGT).
Protein change: p.Val1572fs; shifts the reading frame from valine 1572.
Molecular consequence: frameshift variant.
Genome position (GRCh38, 1-based): chr6:129,353,354-129,353,355, GT deleted; deleting any 2 consecutive bases within chr6:129,353,350-129,353,355 gives the same sequence; the c. name uses the placement nearest the transcript's 3' end. VCF-style (leftmost placement, unchanged base first): chr6-129353349-AGT-A. GRCh37 (hg19) VCF-style: chr6-129674494-AGT-A.
Other names: c.4714_4715del, p.Val1572fs (NM_001079823.2); short protein forms V1572fs.
Identifiers: ClinVar variation 942553 (VCV000942553.11), dbSNP rs1186050632, ClinGen allele CA570205670.